The following is an entry in ClinVar:

NM_000260.4(MYO7A):c.6594T>G (p.Ile2198Met)

Gene: MYO7A (myosin VIIA; plus strand). Cytogenetic location: 11q13.5.
Variant type: single nucleotide variant.
Coding change: c.6594T>G on transcript NM_000260.4 (MANE Select); coding-DNA position 6594, T replaced by G.
Protein change: p.Ile2198Met; replaces isoleucine 2198 with methionine.
Molecular consequence: missense variant.
Genome position (GRCh38, 1-based): chr11:77,214,642, T>G. VCF-style: chr11-77214642-T-G. GRCh37 (hg19) VCF-style: chr11-76925687-T-G.
Other names: c.6474T>G, p.Ile2158Met (NM_001127180.2); c.6447T>G, p.Ile2149Met (NM_001369365.1); short protein forms I2198M, I2149M, I2158M.
Identifiers: ClinVar variation 4780480 (VCV004780480.1).

ClinVar aggregate classification (germline): Uncertain significance (1 of 4 stars; one submission).

Submission:

Labcorp Genetics (formerly Invitae), Labcorp
Classification: Uncertain significance. Last evaluated: 2025-12-26. Review status: criteria provided, single submitter. Criteria: Invitae Variant Classification Sherloc (09022015). Collection method: clinical testing. Allele origin: germline.
Comment: This sequence change replaces isoleucine, which is neutral and non-polar, with methionine, which is neutral and non-polar, at codon 2198 of the MYO7A protein (p.Ile2198Met). This variant is not present in population databases (gnomAD no frequency). This variant has not been reported in the literature in individuals affected with MYO7A-related conditions. Invitae Evidence Modeling of protein sequence and biophysical properties (such as structural, functional, and spatial information, amino acid conservation, physicochemical variation, residue mobility, and thermodynamic stability) indicates that this missense variant is not expected to disrupt MYO7A protein function with a negative predictive value of 95%. In summary, the available evidence is currently insufficient to determine the role of this variant in disease. Therefore, it has been classified as a Variant of Uncertain Significance.